The following is an entry in ClinVar:

NM_004415.4(DSP):c.2225dup (p.Leu742fs)

Gene: DSP (desmoplakin; plus strand). Cytogenetic location: 6p24.3.
Variant type: Duplication.
Coding change: c.2225dup on transcript NM_004415.4 (MANE Select); coding-DNA position 2225, one base duplicated (T; older notation c.2225dupT).
Protein change: p.Leu742fs; shifts the reading frame from leucine 742.
Molecular consequence: frameshift variant.
Genome position (GRCh38, 1-based): chr6:7,574,180, T duplicated; the last of 3 consecutive T bases (chr6:7,574,178-7,574,180); duplicating any one gives the same sequence. VCF-style (leftmost placement, unchanged base first): chr6-7574177-A-AT. GRCh37 (hg19) VCF-style: chr6-7574410-A-AT.
Other names: c.2225dup, p.Leu742fs (NM_001008844.3, NM_001319034.2); short protein forms L742fs.
Identifiers: ClinVar variation 4874876 (VCV004874876.2).
Genomic context (GRCh38, chr6:7,574,177, plus strand): 5'-AGGTTCTCAACCAGCTTAAAGATATGCTTGCCAACTTCAGAGGTTCTGAAAAGTACTGCT[A>AT]TTTACAGAATGAAGTATTTGGACTATTTCAGAAACTGGAAAATATCAATGGTGTTACAGA-3'

ClinVar aggregate classification (germline): Pathogenic (1 of 4 stars; one submission).

Submission:

CeGaT Center for Human Genetics Tuebingen
Classification: Pathogenic. Last evaluated: 2026-05-01. Review status: criteria provided, single submitter. Criteria: CeGaT Center For Human Genetics Tuebingen Variant Classification Criteria Version 2. Collection method: clinical testing. Allele origin: germline. Affected: yes. Observed: 1 variant allele.
Comment: DSP: PVS1, PM2